The following is an entry in ClinVar:

ClinVar aggregate classification (germline): Benign/Likely benign. Review status: criteria provided, multiple submitters, no conflicts (2 of 4 stars). 3 submissions from 3 submitters: Benign (1); Likely benign (2). Last evaluated 2026-07-29.

Conditions:
Hereditary cancer-predisposing syndrome. Also called: Hereditary neoplastic syndrome; Neoplastic Syndromes, Hereditary; Tumor predisposition; Hereditary Cancer Syndrome. Identifiers: Orphanet 140162, MedGen C0027672, MeSH D009386, MONDO:0015356.
Hereditary pheochromocytoma and paraganglioma. Also called: Hereditary Paraganglioma-Pheochromocytoma Syndromes; Hereditary pheochromocytoma-paraganglioma; Hereditary paragangliomas and pheochromocytomas. Identifiers: Orphanet 29072, MedGen C4274332, MONDO:0017366.

Submissions (3):

Myriad Genetics, Inc.
Classification: Benign for Hereditary pheochromocytoma and paraganglioma. Last evaluated: 2026-07-29. Review status: criteria provided, single submitter. Criteria: Myriad Autosomal Dominant, Autosomal Recessive and X-Linked Classification Criteria (2023). Collection method: clinical testing. Allele origin: unknown.
Comment: This variant is considered benign. This variant is a silent/synonymous amino acid change and it is not expected to impact splicing.

Labcorp Genetics (formerly Invitae), Labcorp
Classification: Likely benign for Hereditary pheochromocytoma and paraganglioma. Last evaluated: 2025-08-14. Review status: criteria provided, single submitter. Criteria: Invitae Variant Classification Sherloc (09022015). Collection method: clinical testing. Allele origin: germline.

Ambry Genetics
Classification: Likely benign for Hereditary cancer-predisposing syndrome. Last evaluated: 2019-12-16. Review status: criteria provided, single submitter. Criteria: Ambry Variant Classification Scheme 2023. Collection method: clinical testing. Allele origin: germline.

NM_017849.4(TMEM127):c.231G>C (p.Pro77=)

Gene: TMEM127 (transmembrane protein 127; minus strand). Cytogenetic location: 2q11.2.
Variant type: single nucleotide variant.
Coding change: c.231G>C on transcript NM_017849.4 (MANE Select); coding-DNA position 231, G replaced by C.
Protein change: p.Pro77=; no amino-acid change (proline 77 retained).
Molecular consequence: synonymous variant. On other transcripts: intron variant (1).
Genome position (GRCh38, 1-based): chr2:96,265,151, C>G on the plus strand (G>C on the coding strand, the complement: TMEM127 is on the minus strand). VCF-style: chr2-96265151-C-G. GRCh37 (hg19) VCF-style: chr2-96930889-C-G.
Other names: c.231G>C, p.Pro77= (NM_001193304.3); c.-9+718G>C (NM_001407283.1).
Identifiers: ClinVar variation 1789557 (VCV001789557.8), dbSNP rs1558756480, ClinGen allele CA427496264.